The following is an entry in ClinVar:

ClinVar aggregate classification (germline): Benign/Likely benign. Review status: criteria provided, multiple submitters, no conflicts (2 of 4 stars). 5 submissions from 5 submitters: Benign (3); Likely benign (2). Last evaluated 2026-09-01.

Conditions:
3-hydroxyisobutyryl-CoA hydrolase deficiency. Also called: Reduced circulating 3-hydroxyisobutyryl-CoA hydrolase activity; Deficiency of 3-hydroxyisobutyryl CoA hydrolase; VALINE METABOLIC DEFECT; HIBCH DEFICIENCY; METHACRYLIC ACID TOXICITY; METHACRYLIC ACIDURIA. Identifiers: Orphanet 88639, MedGen C0342738, MONDO:0009603, OMIM 250620, HP:6000215.

Allele frequency attached by ClinVar (database versions not stated): 1000 Genomes Project 0.00140; 1000 Genomes Project 30x 0.00141; ESP Exome Variant Server 0.00215; ExAC 0.00225; gnomAD 0.00229 and 0.00238; gnomAD exomes 0.00246; TOPMed 0.00286.
gnomAD v4.1: 3,626 of 1,613,406 alleles (0.22%); highest among the groups gnomAD compares: Middle Eastern, 3.3%; 27 homozygotes.

Submissions (5):

CeGaT Center for Human Genetics Tuebingen
Classification: Likely benign. Last evaluated: 2026-09-01. Review status: criteria provided, single submitter. Criteria: CeGaT Center For Human Genetics Tuebingen Variant Classification Criteria Version 2. Collection method: clinical testing. Allele origin: germline. Affected: yes. Observed: 8 variant alleles.
Comment: HIBCH: BP4, BP7, BS2

Labcorp Genetics (formerly Invitae), Labcorp
Classification: Benign for 3-hydroxyisobutyryl-CoA hydrolase deficiency. Last evaluated: 2026-01-27. Review status: criteria provided, single submitter. Criteria: Invitae Variant Classification Sherloc (09022015). Collection method: clinical testing. Allele origin: germline.

Mayo Clinic Laboratories, Mayo Clinic
Classification: Benign. Last evaluated: 2023-10-11. Review status: criteria provided, single submitter. Criteria: ACMG Guidelines, 2015. Collection method: clinical testing. Allele origin: germline. Observed: 18 variant alleles.
Comment: BA1, BS2, BP4, BP7

GeneDx
Classification: Benign. Last evaluated: 2018-04-10. Review status: criteria provided, single submitter. Criteria: GeneDx Variant Classification Process June 2021. Collection method: clinical testing. Allele origin: germline. Affected: yes.

Breakthrough Genomics
Classification: Likely benign. Review status: criteria provided, single submitter. Criteria: ACMG Guidelines, 2015. Collection method: not provided. Allele origin: germline. Inheritance: Autosomal recessive inheritance. Affected: yes.

NM_014362.4(HIBCH):c.214C>T (p.Leu72=)

Gene: HIBCH (3-hydroxyisobutyryl-CoA hydrolase; minus strand). Cytogenetic location: 2q32.2.
Variant type: single nucleotide variant.
Coding change: c.214C>T on transcript NM_014362.4 (MANE Select); coding-DNA position 214, C replaced by T.
Protein change: p.Leu72=; no amino-acid change (leucine 72 retained).
Molecular consequence: synonymous variant.
Genome position (GRCh38, 1-based): chr2:190,296,818, G>A on the plus strand (C>T on the coding strand, the complement: HIBCH is on the minus strand). VCF-style: chr2-190296818-G-A. GRCh37 (hg19) VCF-style: chr2-191161544-G-A.
Other names: p.Leu72=; c.214C>T, p.Leu72= (NM_198047.3).
Identifiers: ClinVar variation 380559 (VCV000380559.51), dbSNP rs149479887, ClinGen allele CA2027743.